The following is an entry in ClinVar:

Conditions:
Breast-ovarian cancer, familial, susceptibility to, 1 (BROVCA1). Also called: BRCA1 Hereditary Breast and Ovarian Cancer; OVARIAN CANCER, SUSCEPTIBILITY TO. Identifiers: Orphanet 145, MedGen C2676676, MONDO:0011450, OMIM 604370. Disease mechanism: loss of function.

Submission:

Brotman Baty Institute, University of Washington
No classification provided (evidence only). Condition: Breast-ovarian cancer, familial 1. Review status: no classification provided. Collection method: in vitro. Allele origin: not applicable. Functional consequence: functionally_abnormal.
ClinVar note: "not provided" was previously submitted as the classification for the variant. However, the classification appeared to be based only on an observation of functional data so it was converted to no classification on 2025-07-30.

NM_007294.4(BRCA1):c.251A>T (p.Glu84Val)

Gene: BRCA1 (BRCA1 DNA repair associated; minus strand). Cytogenetic location: 17q21.31.
Variant type: single nucleotide variant.
Coding change: c.251A>T on transcript NM_007294.4 (MANE Select); coding-DNA position 251, A replaced by T.
Protein change: p.Glu84Val; replaces glutamic acid 84 with valine.
Molecular consequence: missense variant. On other transcripts: non-coding transcript variant (1).
Genome position (GRCh38, 1-based): chr17:43,104,918, T>A on the plus strand (A>T on the coding strand, the complement: BRCA1 is on the minus strand). VCF-style: chr17-43104918-T-A. GRCh37 (hg19) VCF-style: chr17-41256935-T-A.
Other names: c.110A>T, p.Glu37Val (NM_001407697.1, NM_001407698.1, NM_001407724.1 and 99 more transcripts); c.41A>T, p.Glu14Val (NM_001407853.1, NM_001407879.1, NM_001407881.1 and 58 more transcripts); c.251A>T, p.Glu84Val (NM_001407854.1, NM_001407858.1, NM_001407859.1 and 168 more transcripts); c.173A>T, p.Glu58Val (NM_001407862.1, NM_001407874.1, NM_001407875.1 and 21 more transcripts); c.-131A>T (NM_001407959.1, NM_001407960.1, NM_001407962.1 and 4 more transcripts); c.119A>T, p.Glu40Val (NM_001408451.1); short protein forms E37V, E84V, E58V, E14V, E40V.
Identifiers: ClinVar variation 868311 (VCV000868311.3), dbSNP rs2054685676, ClinGen allele CA10601653.